The following is an entry in ClinVar:

NM_001130144.3(LTBP3):c.132del (p.Pro45fs)

Gene: LTBP3 (latent transforming growth factor beta binding protein 3; minus strand). Cytogenetic location: 11q13.1.
Variant type: Deletion.
Coding change: c.132del on transcript NM_001130144.3 (MANE Select); coding-DNA position 132, one base deleted (G; older notation c.132delG).
Protein change: p.Pro45fs; shifts the reading frame from proline 45.
Molecular consequence: frameshift variant. On other transcripts: 5 prime UTR variant (1).
Genome position (GRCh38, 1-based): chr11:65,557,828, C deleted on the plus strand (G on the coding strand, the reverse complement: LTBP3 is on the minus strand); the first of 7 consecutive C bases (chr11:65,557,828-65,557,834); deleting any one gives the same sequence. VCF-style (leftmost placement, unchanged base first): chr11-65557827-GC-G. GRCh37 (hg19) VCF-style: chr11-65325298-GC-G.
Other names: c.-216del (NM_001164266.1); c.132del, p.Pro45fs (NM_021070.4); c.132delG (NM_001130144.2); short protein forms P45fs.
Identifiers: ClinVar variation 523637 (VCV000523637.7), dbSNP rs1286042594, ClinGen allele CA475040317.
Genomic context (GRCh38, chr11:65,557,827, plus strand): 5'-CCACCTTGAAGCGCTCGCGGGCCAGCGCCCCGCCCCCGCCTGCGCCCCGCTCGCCGGCCG[GC>G]CCCCCCTCGACCCTGCCGCCCAGGCCCAGCAGCAGCAGCAGCAGCAGCAGCAGCAGCGCC-3'

ClinVar aggregate classification (germline): Pathogenic. Review status: criteria provided, multiple submitters, no conflicts (2 of 4 stars). 6 submissions from 6 submitters: Pathogenic (2). 4 of the submissions do not count toward it. Last evaluated 2022-01-03.

Conditions:
Brachyolmia-amelogenesis imperfecta syndrome. Also called: Tooth agenesis, selective, 6; Dental anomalies and short stature; PLATYSPONDYLY WITH AMELOGENESIS IMPERFECTA. Identifiers: Orphanet 2899, MedGen C1832594, MONDO:0011018, OMIM 601216. Disease mechanism: loss of function.
Heritable Thoracic Aortic Disease. Also called: Heritable Thoracic Aortic Disease (HTAD). Identifiers: MedGen CN868256.

Submissions (6):

3billion
Classification: Pathogenic for Brachyolmia-amelogenesis imperfecta syndrome. Last evaluated: 2022-01-03. Review status: criteria provided, single submitter. Criteria: ACMG Guidelines, 2015. Collection method: clinical testing. Allele origin: germline. Affected: yes. Observed: 1 homozygote.
Comment: Frameshift: predicted to result in a loss or disruption of normal protein function through nonsense-mediated decay (NMD) or protein truncation. Multiple pathogenic variants are reported downstream of the variant (PVS1_VS). The variant has been reported to be associated with LTBP3 related disorder (ClinVar ID: VCV000523637, PMID:29625025). It is observed at an extremely low frequency in the gnomAD v2.1.1 dataset (total allele frequency: 0.000047, PM2_M). Therefore, this variant is classified as pathogenic according to the recommendation of ACMG/AMP guideline.

Clinical Genetics and Genomics, Karolinska University Hospital
Classification: Pathogenic. Last evaluated: 2019-12-19. Review status: criteria provided, single submitter. Criteria: ACMG Guidelines, 2015. Collection method: clinical testing. Allele origin: germline. Affected: yes. Observed: 1 variant allele.

Diagnostics Centre, Carl Von Ossietzky University Oldenburg
Classification: Pathogenic. Last evaluated: 2026-05-12. Review status: no assertion criteria provided. Collection method: clinical testing. Allele origin: germline. Affected: yes. Observed: 1 variant allele. Not counted in ClinVar's aggregate classification.

Institute of Human Genetics, University of Ulm
Classification: Pathogenic for Brachyolmia-amelogenesis imperfecta syndrome. Last evaluated: 2020-11-17. Review status: no assertion criteria provided. Collection method: research. Allele origin: germline. Inheritance: Autosomal recessive inheritance. Affected: yes. Observed: 2 variant alleles, 2 homozygotes. Not counted in ClinVar's aggregate classification.

OMIM
Classification: Pathogenic for DENTAL ANOMALIES AND SHORT STATURE. Last evaluated: 2018-05-11. Review status: no assertion criteria provided. Collection method: literature only. Allele origin: germline. Not counted in ClinVar's aggregate classification.

University of Washington Center for Mendelian Genomics, University of Washington
Classification: confers sensitivity for Heritable Thoracic Aortic Disease. Review status: no assertion criteria provided. Collection method: research. Allele origin: inherited. Affected: yes. Not counted in ClinVar's aggregate classification.

Literature cited by the submitters: PubMed 29625025 (cited by 3 submitters).